The following is an entry in ClinVar:

ClinVar aggregate classification (germline): Benign/Likely benign. Review status: criteria provided, multiple submitters, no conflicts (2 of 4 stars). 4 submissions from 4 submitters: Benign (2); Likely benign (2). Last evaluated 2026-09-01.

Allele frequency attached by ClinVar (database versions not stated): gnomAD exomes 0.01009 and 0.01185; ESP Exome Variant Server 0.01078; TOPMed 0.01093; 1000 Genomes Project 0.01118; 1000 Genomes Project 30x 0.01187; gnomAD 0.01051 and 0.01053; ExAC 0.01054.
gnomAD v4.1: 18,871 of 1,613,700 alleles (1.2%); highest among the groups gnomAD compares: South Asian, 1.3%; 156 homozygotes.

Submissions (4):

CeGaT Center for Human Genetics Tuebingen
Classification: Benign. Last evaluated: 2026-09-01. Review status: criteria provided, single submitter. Criteria: CeGaT Center For Human Genetics Tuebingen Variant Classification Criteria Version 2. Collection method: clinical testing. Allele origin: germline. Affected: yes. Observed: 64 variant alleles.
Comment: CACNA1B: BP4, BP7, BS1, BS2

Labcorp Genetics (formerly Invitae), Labcorp
Classification: Benign. Last evaluated: 2026-02-03. Review status: criteria provided, single submitter. Criteria: Invitae Variant Classification Sherloc (09022015). Collection method: clinical testing. Allele origin: germline.

GeneDx
Classification: Likely benign. Last evaluated: 2021-04-05. Review status: criteria provided, single submitter. Criteria: GeneDx Variant Classification Process June 2021. Collection method: clinical testing. Allele origin: germline. Affected: yes.

Breakthrough Genomics
Classification: Likely benign. Review status: criteria provided, single submitter. Criteria: ACMG Guidelines, 2015. Collection method: not provided. Allele origin: germline. Inheritance: Autosomal recessive inheritance. Affected: yes.

NM_000718.4(CACNA1B):c.1470C>T (p.Cys490=)

Gene: CACNA1B (calcium voltage-gated channel subunit alpha1 B; plus strand). Cytogenetic location: 9q34.3.
Variant type: single nucleotide variant.
Coding change: c.1470C>T on transcript NM_000718.4 (MANE Select); coding-DNA position 1470, C replaced by T.
Protein change: p.Cys490=; no amino-acid change (cysteine 490 retained).
Molecular consequence: synonymous variant.
Genome position (GRCh38, 1-based): chr9:137,971,519, C>T. VCF-style: chr9-137971519-C-T. GRCh37 (hg19) VCF-style: chr9-140865971-C-T.
Other names: c.1470C>T, p.Cys490= (NM_001243812.2).
Identifiers: ClinVar variation 1317144 (VCV001317144.39), dbSNP rs78326958, ClinGen allele CA5376172.